The following is an entry in ClinVar:

NM_002069.6(GNAI1):c.493C>G (p.Pro165Ala)

Gene: GNAI1 (G protein subunit alpha i1; plus strand). Cytogenetic location: 7q21.11.
Variant type: single nucleotide variant.
Coding change: c.493C>G on transcript NM_002069.6 (MANE Select); coding-DNA position 493, C replaced by G.
Protein change: p.Pro165Ala; replaces proline 165 with alanine.
Molecular consequence: missense variant.
Genome position (GRCh38, 1-based): chr7:80,203,735, C>G. VCF-style: chr7-80203735-C-G. GRCh37 (hg19) VCF-style: chr7-79833051-C-G.
Other names: c.337C>G, p.Pro113Ala (NM_001256414.2); short protein forms P113A, P165A.
Identifiers: ClinVar variation 1712287 (VCV001712287.4), dbSNP rs745806214, ClinGen allele CA368012299.

ClinVar aggregate classification (germline): Uncertain significance. Review status: criteria provided, multiple submitters, no conflicts (2 of 4 stars). 2 submissions from 2 submitters: Uncertain significance (2). Last evaluated 2022-11-29.

Conditions:
Neurodevelopmental disorder with hypotonia, impaired speech, and behavioral abnormalities (NEDHISB). Also called: GNAI1-Related Neurodevelopmental Disorder. Identifiers: MedGen C5676975, MONDO:0859243, OMIM 619854.

gnomAD v4.1: 6 of 1,593,774 alleles (0.00038%); highest among the groups gnomAD compares: East Asian, 0.009%; no homozygotes.

Submissions (2):

Labcorp Genetics (formerly Invitae), Labcorp
Classification: Uncertain significance. Last evaluated: 2022-11-29. Review status: criteria provided, single submitter. Criteria: Invitae Variant Classification Sherloc (09022015). Collection method: clinical testing. Allele origin: germline.
Comment: This sequence change replaces proline, which is neutral and non-polar, with alanine, which is neutral and non-polar, at codon 165 of the GNAI1 protein (p.Pro165Ala). This variant is present in population databases (no rsID available, gnomAD 0.006%). This variant has not been reported in the literature in individuals affected with GNAI1-related conditions. ClinVar contains an entry for this variant (Variation ID: 1712287). Algorithms developed to predict the effect of missense changes on protein structure and function (SIFT, PolyPhen-2, Align-GVGD) all suggest that this variant is likely to be tolerated. In summary, the available evidence is currently insufficient to determine the role of this variant in disease. Therefore, it has been classified as a Variant of Uncertain Significance.

UNC Molecular Genetics  Laboratory, University of North Carolina at Chapel Hill
Classification: Uncertain significance for Neurodevelopmental disorder with hypotonia, impaired speech, and behavioral abnormalities. Review status: criteria provided, single submitter. Criteria: ACMG Guidelines, 2015. Collection method: research. Allele origin: unknown. Observed: 1 variant allele. Study: CSER_NCGENES_2.
Comment: GNAI1 c.493C>G p.(Pro165Ala) is predicted to change a single amino acid in the encoded protein from proline to alanine. This variant is observed in 1/246262 alleles (0.0004%) in gnomAD. To our knowledge, this variant has not been previously reported in affected individuals in the literature or in ClinVar. In the absence of clinical or functional evidence, this is considered a variant of uncertain significance.